The following is an entry in ClinVar:

NM_000238.4(KCNH2):c.849G>C (p.Ser283=)

Gene: KCNH2 (potassium voltage-gated channel subfamily H member 2; minus strand). Cytogenetic location: 7q36.1.
Variant type: single nucleotide variant.
Coding change: c.849G>C on transcript NM_000238.4 (MANE Select); coding-DNA position 849, G replaced by C.
Protein change: p.Ser283=; no amino-acid change (serine 283 retained).
Molecular consequence: synonymous variant. On other transcripts: non-coding transcript variant (1).
Genome position (GRCh38, 1-based): chr7:150,958,126, C>G on the plus strand (G>C on the coding strand, the complement: KCNH2 is on the minus strand). VCF-style: chr7-150958126-C-G. GRCh37 (hg19) VCF-style: chr7-150655214-C-G.
Other names: c.561G>C, p.Ser187= (NM_001406753.1, NM_001406756.1); c.672G>C, p.Ser224= (NM_001406755.1); c.549G>C, p.Ser183= (NM_001406757.1); c.849G>C, p.Ser283= (NM_172056.3).
Identifiers: ClinVar variation 1553869 (VCV001553869.12), dbSNP rs1801440759, ClinGen allele CA458871859.

ClinVar aggregate classification (germline): Likely benign. Review status: criteria provided, multiple submitters, no conflicts (2 of 4 stars). 3 submissions from 3 submitters: Likely benign (3). Last evaluated 2026-08-01.

Conditions:
Cardiovascular phenotype. Identifiers: MedGen CN230736.
Long QT syndrome (LQTS). Identifiers: MedGen C0023976, MeSH D008133, MONDO:0002442. Disease mechanism: loss of function. Inheritance: Various modes of inheritance.

Allele frequency attached by ClinVar (database versions not stated): TOPMed below 0.00001.
gnomAD v4.1: 1 of 1,300,148 alleles (0.000077%); highest among the groups gnomAD compares: Non-Finnish European, 0.000097%; no homozygotes.

Submissions (3):

CeGaT Center for Human Genetics Tuebingen
Classification: Likely benign. Last evaluated: 2026-08-01. Review status: criteria provided, single submitter. Criteria: CeGaT Center For Human Genetics Tuebingen Variant Classification Criteria Version 2. Collection method: clinical testing. Allele origin: germline. Affected: yes. Observed: 1 variant allele.
Comment: KCNH2: BP4, BP7

Labcorp Genetics (formerly Invitae), Labcorp
Classification: Likely benign for Long QT syndrome. Last evaluated: 2025-02-12. Review status: criteria provided, single submitter. Criteria: Invitae Variant Classification Sherloc (09022015). Collection method: clinical testing. Allele origin: germline.

Ambry Genetics
Classification: Likely benign for Cardiovascular phenotype. Last evaluated: 2019-03-05. Review status: criteria provided, single submitter. Criteria: Ambry Variant Classification Scheme 2023. Collection method: clinical testing. Allele origin: germline.